The following is an entry in ClinVar:

NM_001364905.1(LRBA):c.4694A>G (p.Glu1565Gly)

Gene: LRBA (LPS responsive beige-like anchor protein; minus strand). Cytogenetic location: 4q31.3.
Variant type: single nucleotide variant.
Coding change: c.4694A>G on transcript NM_001364905.1 (MANE Select); coding-DNA position 4694, A replaced by G.
Protein change: p.Glu1565Gly; replaces glutamic acid 1565 with glycine.
Molecular consequence: missense variant.
Genome position (GRCh38, 1-based): chr4:150,831,852, T>C on the plus strand (A>G on the coding strand, the complement: LRBA is on the minus strand). VCF-style: chr4-150831852-T-C. GRCh37 (hg19) VCF-style: chr4-151753004-T-C.
Other names: c.4694A>G, p.Glu1565Gly (NM_001199282.3, NM_001367550.1, NM_006726.5); short protein forms E1565G.
Identifiers: ClinVar variation 1044648 (VCV001044648.8), dbSNP rs200641170, ClinGen allele CA3102685.

ClinVar aggregate classification (germline): Uncertain significance. Review status: criteria provided, multiple submitters, no conflicts (2 of 4 stars). 2 submissions from 2 submitters: Uncertain significance (2). Last evaluated 2025-03-03.

Conditions:
Combined immunodeficiency due to LRBA deficiency. Also called: Common variable immunodeficiency 8, with autoimmunity. Identifiers: Orphanet 445018, MedGen C3553512, MONDO:0013863, OMIM 614700.

Allele frequency attached by ClinVar (database versions not stated): TOPMed below 0.00001; gnomAD 0.00001; ExAC 0.00002; gnomAD exomes 0.00002.
gnomAD v4.1: 27 of 1,599,672 alleles (0.0017%); highest among the groups gnomAD compares: Middle Eastern, 0.033%; no homozygotes.

Submissions (2):

Labcorp Genetics (formerly Invitae), Labcorp
Classification: Uncertain significance for Combined immunodeficiency due to LRBA deficiency. Last evaluated: 2025-03-03. Review status: criteria provided, single submitter. Criteria: Invitae Variant Classification Sherloc (09022015). Collection method: clinical testing. Allele origin: germline.
Comment: This sequence change replaces glutamic acid, which is acidic and polar, with glycine, which is neutral and non-polar, at codon 1565 of the LRBA protein (p.Glu1565Gly). This variant is present in population databases (rs200641170, gnomAD 0.003%). This variant has not been reported in the literature in individuals affected with LRBA-related conditions. ClinVar contains an entry for this variant (Variation ID: 1044648). Invitae Evidence Modeling of protein sequence and biophysical properties (such as structural, functional, and spatial information, amino acid conservation, physicochemical variation, residue mobility, and thermodynamic stability) indicates that this missense variant is not expected to disrupt LRBA protein function with a negative predictive value of 80%. In summary, the available evidence is currently insufficient to determine the role of this variant in disease. Therefore, it has been classified as a Variant of Uncertain Significance.

Blueprint Genetics
Classification: Uncertain significance. Last evaluated: 2024-04-16. Review status: criteria provided, single submitter. Criteria: ACMG Guidelines, 2015. Collection method: clinical testing. Allele origin: germline.